The following is an entry in ClinVar:

ClinVar aggregate classification (germline): Pathogenic. Review status: criteria provided, multiple submitters, no conflicts (2 of 4 stars). 2 submissions from 2 submitters: Pathogenic (2). Last evaluated 2025-10-07.

Conditions:
Wagner disease. Also called: HYALOIDEORETINAL DEGENERATION OF WAGNER; WAGNER VITREORETINAL DEGENERATION; WAGNER VITREORETINOPATHY; WAGNER SYNDROME 1; Wagner syndrome; Wagner Vitreoretinal Degeneration (Wagner Synrdome). Identifiers: Orphanet 898, MedGen C1840452, MONDO:0007740, OMIM 143200.

Submissions (2):

Labcorp Genetics (formerly Invitae), Labcorp
Classification: Pathogenic. Last evaluated: 2025-10-07. Review status: criteria provided, single submitter. Criteria: Invitae Variant Classification Sherloc (09022015). Collection method: clinical testing. Allele origin: germline.
Comment: This sequence change affects an acceptor splice site in intron 7 of the VCAN gene. RNA analysis indicates that disruption of this splice site induces altered splicing and likely results in the loss of 13 amino acid residue(s), but is expected to preserve the integrity of the reading-frame. This variant is not present in population databases (gnomAD no frequency). Disruption of this splice site has been observed in individuals with Wagner syndrome (PMID: 16043844, 21738396). It has also been observed to segregate with disease in related individuals. ClinVar contains an entry for this variant (Variation ID: 813123). Studies have shown that disruption of this splice site results in the activation of a cryptic splice site in exon 8 (PMID: 16043844, 16877430, 21738396). For these reasons, this variant has been classified as Pathogenic.

Molecular Genetics Laboratory, Institute for Ophthalmic Research
Classification: Pathogenic for Erosive vitreoretinopathy. Last evaluated: 2020-01-09. Review status: criteria provided, single submitter. Criteria: ACMG Guidelines, 2015. Collection method: research. Allele origin: germline. Affected: yes.

Literature cited by the submitters: PubMed 16043844 (cited by Labcorp Genetics (formerly Invitae), Labcorp); PubMed 21738396 (cited by Labcorp Genetics (formerly Invitae), Labcorp); PubMed 16877430 (cited by Labcorp Genetics (formerly Invitae), Labcorp).

NM_004385.5(VCAN):c.4004-2A>C

Genes: VCAN (versican; plus strand), VCAN-AS1 (VCAN antisense RNA 1; minus strand). Cytogenetic location: 5q14.3.
Variant type: single nucleotide variant.
Coding change: c.4004-2A>C on transcript NM_004385.5 (MANE Select); the canonical splice acceptor site of the intron before coding-DNA position 4004, A replaced by C.
Molecular consequence: splice acceptor variant. On other transcripts: intron variant (2).
Genome position (GRCh38, 1-based): chr5:83,537,005, A>C. VCF-style: chr5-83537005-A-C. GRCh37 (hg19) VCF-style: chr5-82832824-A-C.
Other names: c.4004-8532A>C (NM_001164098.2); c.1043-2A>C (NM_001164097.2); c.1043-8532A>C (NM_001126336.3).
Identifiers: ClinVar variation 813123 (VCV000813123.7), dbSNP rs80356555, ClinGen allele CA360307287.
Genomic context (GRCh38, chr5:83,537,005, plus strand): 5'-TTCTTCTGTCATACACTGCCAAATTTTCTATTTAAGTATTGTGAAAACTCTGTTTTTTTC[A>C]GGTCGAATGAGTGATTTGAGTGTAATTGGTCATCCAATAGATTCAGAATCTAAAGAAGAT-3'